The following is an entry in ClinVar:

NM_031935.3(HMCN1):c.16281T>A (p.His5427Gln)

Gene: HMCN1 (hemicentin 1; plus strand). Cytogenetic location: 1q31.1.
Variant type: single nucleotide variant.
Coding change: c.16281T>A on transcript NM_031935.3 (MANE Select); coding-DNA position 16281, T replaced by A.
Protein change: p.His5427Gln; replaces histidine 5427 with glutamine.
Molecular consequence: missense variant.
Genome position (GRCh38, 1-based): chr1:186,178,753, T>A. VCF-style: chr1-186178753-T-A. GRCh37 (hg19) VCF-style: chr1-186147885-T-A.
Other names: short protein forms H5427Q.
Identifiers: ClinVar variation 2001756 (VCV002001756.4), dbSNP rs1652757367, ClinGen allele CA343939328.
Genomic context (GRCh38, chr1:186,178,753, plus strand): 5'-TCTCTCCAGGACTAGAAGGACTATTAGGAAAACTTGCCCTGAAGGCTCTGAGGCAAGCCA[T>A]GACACATGTGTAGGTAAATGTCAGCCATATTACATTTCCTTTCTGTGGGCTCTCTTACTG-3'
Protein context (NP_114141.2, residues 5417-5437): KTCPEGSEAS[His5427Gln]DTCVDIDECE

ClinVar aggregate classification (germline): Uncertain significance (1 of 4 stars; one submission).

Allele frequency attached by ClinVar (database versions not stated): TOPMed below 0.00001.

Submission:

Labcorp Genetics (formerly Invitae), Labcorp
Classification: Uncertain significance. Last evaluated: 2023-07-17. Review status: criteria provided, single submitter. Criteria: Invitae Variant Classification Sherloc (09022015). Collection method: clinical testing. Allele origin: germline.
Comment: This sequence change replaces histidine, which is basic and polar, with glutamine, which is neutral and polar, at codon 5427 of the HMCN1 protein (p.His5427Gln). This variant is not present in population databases (gnomAD no frequency). This variant has not been reported in the literature in individuals affected with HMCN1-related conditions. ClinVar contains an entry for this variant (Variation ID: 2001756). Algorithms developed to predict the effect of missense changes on protein structure and function output the following: SIFT: "Not Available"; PolyPhen-2: "Benign"; Align-GVGD: "Not Available". The glutamine amino acid residue is found in multiple mammalian species, which suggests that this missense change does not adversely affect protein function. In summary, the available evidence is currently insufficient to determine the role of this variant in disease. Therefore, it has been classified as a Variant of Uncertain Significance.